The following is an entry in ClinVar:

ClinVar aggregate classification (germline): Benign/Likely benign. Review status: criteria provided, multiple submitters, no conflicts (2 of 4 stars). 7 submissions from 7 submitters: Benign (2); Likely benign (4). 1 of the submissions does not count toward it. Last evaluated 2025-12-21.

Conditions:
TSC1-related disorder. Also called: TSC1-related condition.
Hereditary cancer-predisposing syndrome. Also called: Tumor predisposition; Hereditary neoplastic syndrome; Hereditary Cancer Syndrome; Neoplastic Syndromes, Hereditary. Identifiers: Orphanet 140162, MedGen C0027672, MeSH D009386, MONDO:0015356.
Tuberous sclerosis syndrome (TSC). Also called: Tuberous Sclerosis Complex; Tuberous sclerosis. Identifiers: Orphanet 805, MedGen C0041341, MONDO:0001734.
Tuberous sclerosis 1 (TSC1). Identifiers: Orphanet 805, MedGen C1854465, MONDO:0008612, OMIM 191100.

Allele frequency attached by ClinVar (database versions not stated): TOPMed below 0.00001.
gnomAD v4.1: 7 of 1,614,114 alleles (0.00043%); highest among the groups gnomAD compares: South Asian, 0.0022%; no homozygotes.

Submissions (7):

Labcorp Genetics (formerly Invitae), Labcorp
Classification: Likely benign for Tuberous sclerosis 1. Last evaluated: 2025-12-21. Review status: criteria provided, single submitter. Criteria: Invitae Variant Classification Sherloc (09022015). Collection method: clinical testing. Allele origin: germline.

Myriad Genetics, Inc.
Classification: Benign for Tuberous sclerosis 1. Last evaluated: 2025-04-08. Review status: criteria provided, single submitter. Criteria: Myriad Autosomal Dominant, Autosomal Recessive and X-Linked Classification Criteria (2023). Collection method: clinical testing. Allele origin: unknown.
Comment: This variant is considered benign. This variant is a silent/synonymous amino acid change and it is not expected to impact splicing.

CeGaT Center for Human Genetics Tuebingen
Classification: Likely benign. Last evaluated: 2024-07-01. Review status: criteria provided, single submitter. Criteria: CeGaT Center For Human Genetics Tuebingen Variant Classification Criteria Version 2. Collection method: clinical testing. Allele origin: germline. Affected: yes. Observed: 1 variant allele.
Comment: TSC1: BP4, BP7

All of Us Research Program, National Institutes of Health
Classification: Likely benign for Tuberous sclerosis syndrome. Last evaluated: 2023-12-18. Review status: criteria provided, single submitter. Criteria: ACMG Guidelines, 2015. Collection method: clinical testing. Allele origin: germline. Inheritance: Autosomal dominant inheritance. Observed: 1 variant allele, 1 heterozygote.
Comment: This study involves interpretation of variants in research participants for the purpose of population health screening. Participant phenotype was not available at the time of variant classification. Additional details can be found in publication PMID: 35346344, PMCID: PMC8962531

Genome-Nilou Lab
Classification: Benign for Tuberous sclerosis 1. Last evaluated: 2021-11-07. Review status: criteria provided, single submitter. Criteria: ACMG Guidelines, 2015. Collection method: clinical testing. Allele origin: germline. Affected: no.

Ambry Genetics
Classification: Likely benign for Hereditary cancer-predisposing syndrome. Last evaluated: 2019-05-22. Review status: criteria provided, single submitter. Criteria: Ambry Variant Classification Scheme 2023. Collection method: clinical testing. Allele origin: germline.

PreventionGenetics, part of Exact Sciences
Classification: Likely benign for TSC1-related condition. Last evaluated: 2020-07-21. Review status: no assertion criteria provided. Collection method: clinical testing. Allele origin: germline. Not counted in ClinVar's aggregate classification.
Comment: This variant is classified as likely benign based on ACMG/AMP sequence variant interpretation guidelines (Richards et al. 2015 PMID: 25741868, with internal and published modifications).

NM_000368.5(TSC1):c.870C>T (p.Ala290=)

Gene: TSC1 (TSC complex subunit 1; minus strand). Cytogenetic location: 9q34.13.
Variant type: single nucleotide variant.
Coding change: c.870C>T on transcript NM_000368.5 (MANE Select); coding-DNA position 870, C replaced by T.
Protein change: p.Ala290=; no amino-acid change (alanine 290 retained).
Molecular consequence: synonymous variant.
Genome position (GRCh38, 1-based): chr9:132,912,325, G>A on the plus strand (C>T on the coding strand, the complement: TSC1 is on the minus strand). VCF-style: chr9-132912325-G-A. GRCh37 (hg19) VCF-style: chr9-135787712-G-A.
Other names: c.870C>T, p.Ala290= (NM_001162426.2); c.717C>T, p.Ala239= (NM_001162427.2); c.507C>T, p.Ala169= (NM_001362177.2).
Identifiers: ClinVar variation 416666 (VCV000416666.39), dbSNP rs779155575, ClinGen allele CA039264.